The following is an entry in ClinVar:

ClinVar aggregate classification (germline): Uncertain significance (1 of 4 stars; one submission).

Submission:

Labcorp Genetics (formerly Invitae), Labcorp
Classification: Uncertain significance. Last evaluated: 2023-06-04. Review status: criteria provided, single submitter. Criteria: Invitae Variant Classification Sherloc (09022015). Collection method: clinical testing. Allele origin: germline.
Comment: This variant, c.1684_1686del, results in the deletion of 1 amino acid(s) of the MMP14 protein (p.Phe562del), but otherwise preserves the integrity of the reading frame. The frequency data for this variant in the population databases is considered unreliable, as metrics indicate poor data quality at this position in the gnomAD database. This variant has not been reported in the literature in individuals affected with MMP14-related conditions. Experimental studies and prediction algorithms are not available or were not evaluated, and the functional significance of this variant is currently unknown. In summary, the available evidence is currently insufficient to determine the role of this variant in disease. Therefore, it has been classified as a Variant of Uncertain Significance.

NM_004995.4(MMP14):c.1678TTC[2] (p.Phe562del)

Gene: MMP14 (matrix metallopeptidase 14; plus strand). Cytogenetic location: 14q11.2.
Variant type: Microsatellite.
Coding change: c.1678TTC[2] on transcript NM_004995.4 (MANE Select); two copies in a row of the 3-base unit TTC starting at c.1678; the reference has three copies in a row; one copy, 3 bases deleted.
Protein change: p.Phe562del; deletes phenylalanine 562.
Molecular consequence: inframe deletion.
Genome position (GRCh38, 1-based): chr14:22,845,974-22,845,976, TTC deleted; deleting any 3 consecutive bases within chr14:22,845,966-22,845,976 gives the same sequence; the position shown is the placement nearest the transcript's 3' end. VCF-style (leftmost placement, unchanged base first): chr14-22845965-GTCT-G. GRCh37 (hg19) VCF-style: chr14-23315174-GTCT-G.
Other names: short protein forms F562del.
Identifiers: ClinVar variation 2970458 (VCV002970458.3), dbSNP rs770742233, ClinGen allele CA7105543.